The following is an entry in ClinVar:

ClinVar aggregate classification (germline): Uncertain significance (1 of 4 stars; one submission).

gnomAD v4.1: 1 of 1,504,782 alleles (0.000066%); highest among the groups gnomAD compares: Admixed American, 0.002%; no homozygotes.

Submission:

GeneDx
Classification: Uncertain significance. Last evaluated: 2024-03-06. Review status: criteria provided, single submitter. Criteria: GeneDx Variant Classification Process June 2021. Collection method: clinical testing. Allele origin: germline. Affected: yes.
Comment: Not observed at significant frequency in large population cohorts (gnomAD); In silico analysis supports that this missense variant has a deleterious effect on protein structure/function; Has not been previously published as pathogenic or benign to our knowledge

NM_001195263.2(PDZD7):c.2264C>T (p.Pro755Leu)

Gene: PDZD7 (PDZ domain containing 7; minus strand). Cytogenetic location: 10q24.31.
Variant type: single nucleotide variant.
Coding change: c.2264C>T on transcript NM_001195263.2 (MANE Select); coding-DNA position 2264, C replaced by T.
Protein change: p.Pro755Leu; replaces proline 755 with leucine.
Molecular consequence: missense variant.
Genome position (GRCh38, 1-based): chr10:101,010,625, G>A on the plus strand (C>T on the coding strand, the complement: PDZD7 is on the minus strand). VCF-style: chr10-101010625-G-A. GRCh37 (hg19) VCF-style: chr10-102770382-G-A.
Other names: short protein forms P755L.
Identifiers: ClinVar variation 3373556 (VCV003373556.1).